The following is an entry in ClinVar:

ClinVar aggregate classification (germline): Pathogenic. Review status: criteria provided, multiple submitters, no conflicts (2 of 4 stars). 3 submissions from 3 submitters: Pathogenic (3). Last evaluated 2025-06-02.

Conditions:
Wolcott-Rallison dysplasia. Also called: MED-IDDM SYNDROME; Wolcott-Rallison syndrome. Identifiers: Orphanet 1667, MedGen C0432217, MONDO:0009192, OMIM 226980.

Submissions (3):

First Genomix Gene Laboratory, Genetic Diagnostics Department
Classification: Pathogenic for Wolcott-Rallison dysplasia. Last evaluated: 2025-06-02. Review status: criteria provided, single submitter. Criteria: ACMG Guidelines, 2015. Collection method: clinical testing. Allele origin: germline. Inheritance: Autosomal recessive inheritance. Affected: no. Observed: 1 variant allele.

Fulgent Genetics
Classification: Pathogenic for Wolcott-Rallison dysplasia. Last evaluated: 2024-01-21. Review status: criteria provided, single submitter. Criteria: ACMG Guidelines, 2015. Collection method: clinical testing. Allele origin: germline.

Baylor Genetics
Classification: Pathogenic for Wolcott-Rallison dysplasia. Last evaluated: 2023-01-15. Review status: criteria provided, single submitter. Criteria: ACMG Guidelines, 2015. Collection method: clinical testing. Allele origin: unknown.

NM_004836.7(EIF2AK3):c.2729_2732del (p.Glu910fs)

Genes: EIF2AK3 (eukaryotic translation initiation factor 2 alpha kinase 3; minus strand), EIF2AK3-AS1 (EIF2AK3 antisense RNA 1; plus strand). Cytogenetic location: 2p11.2.
Variant type: Microsatellite.
Coding change: c.2729_2732del on transcript NM_004836.7 (MANE Select); coding-DNA positions 2729 to 2732, 4 bases deleted (AGAG; older notation c.2729_2732delAGAG).
Protein change: p.Glu910fs; shifts the reading frame from glutamic acid 910.
Molecular consequence: frameshift variant. On other transcripts: non-coding transcript variant (1).
Genome position (GRCh38, 1-based): chr2:88,574,751-88,574,754, CTCT deleted on the plus strand (AGAG on the coding strand, the reverse complement: EIF2AK3 is on the minus strand); deleting any 4 consecutive bases within chr2:88,574,751-88,574,761 gives the same sequence; the c. name uses the placement nearest the transcript's 3' end. VCF-style (leftmost placement, unchanged base first): chr2-88574750-CCTCT-C. GRCh37 (hg19) VCF-style: chr2-88874268-CCTCT-C.
Other names: c.2276_2279del, p.Glu759fs (NM_001313915.2); c.2729_2732delAGAG (NM_004836.7); short protein forms E759fs, E910fs.
Identifiers: ClinVar variation 2675018 (VCV002675018.3), dbSNP rs2104410344, ClinGen allele CA2577029561.